The following is an entry in ClinVar:

NM_000417.3(IL2RA):c.757G>A (p.Val253Ile)

Gene: IL2RA (interleukin 2 receptor subunit alpha; minus strand). Cytogenetic location: 10p15.1.
Variant type: single nucleotide variant.
Coding change: c.757G>A on transcript NM_000417.3 (MANE Select); coding-DNA position 757, G replaced by A.
Protein change: p.Val253Ile; replaces valine 253 with isoleucine.
Molecular consequence: missense variant.
Genome position (GRCh38, 1-based): chr10:6,018,090, C>T on the plus strand (G>A on the coding strand, the complement: IL2RA is on the minus strand). VCF-style: chr10-6018090-C-T. GRCh37 (hg19) VCF-style: chr10-6060053-C-T.
Other names: p.Val253Ile; c.541G>A, p.Val181Ile (NM_001308242.2); c.469G>A, p.Val157Ile (NM_001308243.2); short protein forms V253I, V157I, V181I.
Identifiers: ClinVar variation 300250 (VCV000300250.18), dbSNP rs143550766, ClinGen allele CA5397312.

ClinVar aggregate classification (germline): Conflicting classifications of pathogenicity. Review status: criteria provided, conflicting classifications (1 of 4 stars). 7 submissions from 7 submitters: Uncertain significance (6); Likely benign (1). Last evaluated 2026-03-11.

Conditions:
Myelodysplasia. Identifiers: MedGen C0026985, HP:0002863.
Pleural effusion. Identifiers: MedGen C0032227, HP:0002202.
Immunodeficiency due to CD25 deficiency. Also called: CD25 DEFICIENCY; IL2RA DEFICIENCY; IMMUNODEFICIENCY 41 WITH LYMPHOPROLIFERATION AND AUTOIMMUNITY. Identifiers: Orphanet 169100, MedGen C1853392, MONDO:0011664, OMIM 606367.

Allele frequency attached by ClinVar (database versions not stated): TOPMed 0.00039; 1000 Genomes Project 0.00040; gnomAD 0.00042 and 0.00035; 1000 Genomes Project 30x 0.00047; ExAC 0.00026; gnomAD exomes 0.00030 and 0.00033; ESP Exome Variant Server 0.00031.
gnomAD v4.1: 569 of 1,613,918 alleles (0.035%); highest among the groups gnomAD compares: Middle Eastern, 0.43%; 1 homozygote.

Submissions (7):

Women's Health and Genetics/Laboratory Corporation of America, LabCorp
Classification: Uncertain significance. Last evaluated: 2026-03-11. Review status: criteria provided, single submitter. Criteria: LabCorp Variant Classification Summary - May 2015. Collection method: clinical testing. Allele origin: germline.
Comment: Variant summary: IL2RA c.757G>A (p.Val253Ile) results in a conservative amino acid change in the encoded protein sequence. Algorithms developed to predict the effect of missense changes on protein structure and function all suggest that this variant is likely to be tolerated. The variant allele was found at a frequency of 0.0003 in 251026 control chromosomes. This frequency is not significantly higher than estimated for disease-causing variants in IL2RA, allowing no conclusion about variant significance. To our knowledge, no occurrence of c.757G>A in individuals affected with IL2RA-related conditions and no experimental evidence demonstrating its impact on protein function have been reported. ClinVar contains an entry for this variant (Variation ID: 300250). Based on the evidence outlined above, the variant was classified as uncertain significance.

Labcorp Genetics (formerly Invitae), Labcorp
Classification: Uncertain significance for Immunodeficiency due to CD25 deficiency. Last evaluated: 2026-02-01. Review status: criteria provided, single submitter. Criteria: Invitae Variant Classification Sherloc (09022015). Collection method: clinical testing. Allele origin: germline.
Comment: This sequence change replaces valine, which is neutral and non-polar, with isoleucine, which is neutral and non-polar, at codon 253 of the IL2RA protein (p.Val253Ile). This variant is present in population databases (rs143550766, gnomAD 0.08%). This variant has not been reported in the literature in individuals affected with IL2RA-related conditions. ClinVar contains an entry for this variant (Variation ID: 300250). Invitae Evidence Modeling of protein sequence and biophysical properties (such as structural, functional, and spatial information, amino acid conservation, physicochemical variation, residue mobility, and thermodynamic stability) indicates that this missense variant is not expected to disrupt IL2RA protein function with a negative predictive value of 80%. In summary, the available evidence is currently insufficient to determine the role of this variant in disease. Therefore, it has been classified as a Variant of Uncertain Significance.

Mayo Clinic Laboratories, Mayo Clinic
Classification: Uncertain significance. Last evaluated: 2025-06-11. Review status: criteria provided, single submitter. Criteria: ACMG Guidelines, 2015. Collection method: clinical testing. Allele origin: germline. Observed: 4 variant alleles.
Comment: BP4_moderate

Blueprint Genetics
Classification: Likely benign. Last evaluated: 2024-11-26. Review status: criteria provided, single submitter. Criteria: ACMG Guidelines, 2015. Collection method: clinical testing. Allele origin: germline.

Laboratorio de Genetica e Diagnostico Molecular, Hospital Israelita Albert Einstein
Classification: Uncertain significance for Myelodysplasia; Pleural effusion. Last evaluated: 2021-03-30. Review status: criteria provided, single submitter. Criteria: ACMG Guidelines, 2015. Collection method: clinical testing. Allele origin: germline. Affected: yes.
Comment: ACMG classification criteria: BP4

Illumina Laboratory Services, Illumina
Classification: Uncertain significance for Immunodeficiency due to CD25 deficiency. Last evaluated: 2018-01-13. Review status: criteria provided, single submitter. Criteria: ICSL Variant Classification Criteria 13 December 2019. Collection method: clinical testing. Allele origin: germline.

Breakthrough Genomics
Classification: Uncertain significance. Review status: criteria provided, single submitter. Criteria: ACMG Guidelines, 2015. Collection method: not provided. Allele origin: germline. Inheritance: Autosomal recessive inheritance. Affected: yes.

Literature cited by the submitters: PubMed 33336462 (cited by Mayo Clinic Laboratories, Mayo Clinic).